The following is an entry in ClinVar:

ClinVar aggregate classification (germline): Uncertain significance (1 of 4 stars; one submission).

gnomAD v4.1: 2 of 1,594,572 alleles (0.00013%); highest among the groups gnomAD compares: South Asian, 0.0012%; no homozygotes.

Submission:

Labcorp Genetics (formerly Invitae), Labcorp
Classification: Uncertain significance. Last evaluated: 2022-04-13. Review status: criteria provided, single submitter. Criteria: Invitae Variant Classification Sherloc (09022015). Collection method: clinical testing. Allele origin: germline.
Comment: In summary, the available evidence is currently insufficient to determine the role of this variant in disease. Therefore, it has been classified as a Variant of Uncertain Significance. Algorithms developed to predict the effect of missense changes on protein structure and function (SIFT, PolyPhen-2, Align-GVGD) all suggest that this variant is likely to be disruptive. This variant has not been reported in the literature in individuals affected with CEP89-related conditions. This variant is not present in population databases (gnomAD no frequency). This sequence change replaces arginine, which is basic and polar, with serine, which is neutral and polar, at codon 324 of the CEP89 protein (p.Arg324Ser).

NM_032816.5(CEP89):c.970C>A (p.Arg324Ser)

Gene: CEP89 (centrosomal protein 89; minus strand). Cytogenetic location: 19q13.11.
Variant type: single nucleotide variant.
Coding change: c.970C>A on transcript NM_032816.5 (MANE Select); coding-DNA position 970, C replaced by A.
Protein change: p.Arg324Ser; replaces arginine 324 with serine.
Molecular consequence: missense variant.
Genome position (GRCh38, 1-based): chr19:32,931,488, G>T on the plus strand (C>A on the coding strand, the complement: CEP89 is on the minus strand). VCF-style: chr19-32931488-G-T. GRCh37 (hg19) VCF-style: chr19-33422394-G-T.
Other names: short protein forms R324S.
Identifiers: ClinVar variation 1949041 (VCV001949041.5), dbSNP rs772026609, ClinGen allele CA405204876.